The following is an entry in ClinVar:

ClinVar aggregate classification (germline): Uncertain significance (1 of 4 stars; one submission).

Submission:

Ambry Genetics
Classification: Uncertain significance. Last evaluated: 2022-07-17. Review status: criteria provided, single submitter. Criteria: Ambry Variant Classification Scheme 2023. Collection method: clinical testing. Allele origin: germline.
Comment: The p.G3943E variant (also known as c.11828G>A), located in coding exon 83 of the PRKDC gene, results from a G to A substitution at nucleotide position 11828. The glycine at codon 3943 is replaced by glutamic acid, an amino acid with similar properties. This amino acid position is conserved. Since supporting evidence is limited at this time, the clinical significance of this alteration remains unclear.

NM_006904.7(PRKDC):c.11828G>A (p.Gly3943Glu)

Gene: PRKDC (protein kinase, DNA-activated, catalytic subunit; minus strand). Cytogenetic location: 8q11.21.
Variant type: single nucleotide variant.
Coding change: c.11828G>A on transcript NM_006904.7 (MANE Select); coding-DNA position 11828, G replaced by A.
Protein change: p.Gly3943Glu; replaces glycine 3943 with glutamic acid.
Molecular consequence: missense variant.
Genome position (GRCh38, 1-based): chr8:47,778,484, C>T on the plus strand (G>A on the coding strand, the complement: PRKDC is on the minus strand). VCF-style: chr8-47778484-C-T. GRCh37 (hg19) VCF-style: chr8-48691045-C-T.
Other names: c.11735G>A, p.Gly3912Glu (NM_001081640.2); short protein forms G3943E, G3912E.
Identifiers: ClinVar variation 1742436 (VCV001742436.2), dbSNP rs2551859870, ClinGen allele CA371128476.